The following is an entry in ClinVar:

ClinVar aggregate classification (germline): Pathogenic (1 of 4 stars; one submission).

Conditions:
Leber congenital amaurosis 6 (LCA6). Identifiers: Orphanet 65, MedGen C1854260, MONDO:0013446, OMIM 613826.
Cone-rod dystrophy 13 (CORD13). Identifiers: Orphanet 1872, MedGen C2750720, MONDO:0011987, OMIM 608194.

Allele frequency attached by ClinVar (database versions not stated): gnomAD 0.00001.

Submission:

Labcorp Genetics (formerly Invitae), Labcorp
Classification: Pathogenic for Leber congenital amaurosis 6; Cone-rod dystrophy 13. Last evaluated: 2023-08-14. Review status: criteria provided, single submitter. Criteria: Invitae Variant Classification Sherloc (09022015). Collection method: clinical testing. Allele origin: germline.
Comment: This variant has not been reported in the literature in individuals affected with RPGRIP1-related conditions. This variant is not present in population databases (gnomAD no frequency). This sequence change creates a premature translational stop signal (p.Gln437*) in the RPGRIP1 gene. It is expected to result in an absent or disrupted protein product. Loss-of-function variants in RPGRIP1 are known to be pathogenic (PMID: 11528500, 23105016). For these reasons, this variant has been classified as Pathogenic.

Literature cited by the submitters: PubMed 11528500; PubMed 23105016.

NM_020366.4(RPGRIP1):c.1309C>T (p.Gln437Ter)

Gene: RPGRIP1 (RPGR interacting protein 1; plus strand). Cytogenetic location: 14q11.2.
Variant type: single nucleotide variant.
Coding change: c.1309C>T on transcript NM_020366.4 (MANE Select); coding-DNA position 1309, C replaced by T.
Protein change: p.Gln437Ter; replaces glutamine 437 with a stop codon.
Molecular consequence: nonsense.
Genome position (GRCh38, 1-based): chr14:21,320,019, C>T. VCF-style: chr14-21320019-C-T. GRCh37 (hg19) VCF-style: chr14-21788178-C-T.
Other names: c.235C>T, p.Gln79Ter (NM_001377523.1, NM_001377948.1, NM_001377949.1 and 1 more transcripts); short protein forms Q79*, Q437*.
Identifiers: ClinVar variation 2950038 (VCV002950038.3), dbSNP rs1279095388, ClinGen allele CA388864578.